The following is an entry in ClinVar:

ClinVar aggregate classification (germline): Uncertain significance. Review status: criteria provided, multiple submitters, no conflicts (2 of 4 stars). 2 submissions from 2 submitters: Uncertain significance (2). Last evaluated 2023-05-01.

Conditions:
Catecholaminergic polymorphic ventricular tachycardia 1. Also called: VENTRICULAR TACHYCARDIA, CATECHOLAMINERGIC POLYMORPHIC, 1, WITH OR WITHOUT ATRIAL DYSFUNCTION AND/OR DILATED CARDIOMYOPATHY; RYR2-Related Catecholaminergic Polymorphic Ventricular Tachycardia; VENTRICULAR TACHYCARDIA, STRESS-INDUCED POLYMORPHIC 1. Identifiers: Orphanet 3286, MedGen C1631597, MONDO:0011484, OMIM 604772.

Submissions (2):

Labcorp Genetics (formerly Invitae), Labcorp
Classification: Uncertain significance for Catecholaminergic polymorphic ventricular tachycardia 1. Last evaluated: 2023-05-01. Review status: criteria provided, single submitter. Criteria: Invitae Variant Classification Sherloc (09022015). Collection method: clinical testing. Allele origin: germline.
Comment: This variant has not been reported in the literature in individuals affected with RYR2-related conditions. This variant is not present in population databases (gnomAD no frequency). This sequence change replaces glycine, which is neutral and non-polar, with arginine, which is basic and polar, at codon 3769 of the RYR2 protein (p.Gly3769Arg). Advanced modeling of protein sequence and biophysical properties (such as structural, functional, and spatial information, amino acid conservation, physicochemical variation, residue mobility, and thermodynamic stability) performed at Invitae indicates that this missense variant is expected to disrupt RYR2 protein function. In summary, the available evidence is currently insufficient to determine the role of this variant in disease. Therefore, it has been classified as a Variant of Uncertain Significance. Algorithms developed to predict the effect of sequence changes on RNA splicing suggest that this variant may create or strengthen a splice site.

Blueprint Genetics
Classification: Uncertain significance. Last evaluated: 2020-08-12. Review status: criteria provided, single submitter. Criteria: ACMG Guidelines, 2015. Collection method: clinical testing. Allele origin: germline.

NM_001035.3(RYR2):c.11305G>A (p.Gly3769Arg)

Gene: RYR2 (ryanodine receptor 2; plus strand). Cytogenetic location: 1q43.
Variant type: single nucleotide variant.
Coding change: c.11305G>A on transcript NM_001035.3 (MANE Select); coding-DNA position 11305, G replaced by A.
Protein change: p.Gly3769Arg; replaces glycine 3769 with arginine.
Molecular consequence: missense variant.
Genome position (GRCh38, 1-based): chr1:237,757,756, G>A. VCF-style: chr1-237757756-G-A. GRCh37 (hg19) VCF-style: chr1-237921056-G-A.
Other names: short protein forms G3769R.
Identifiers: ClinVar variation 2861147 (VCV002861147.4), dbSNP rs2527416634, ClinGen allele CA345427641.